The following is an entry in ClinVar:

ClinVar aggregate classification (germline): Uncertain significance. Review status: criteria provided, multiple submitters, no conflicts (2 of 4 stars). 2 submissions from 2 submitters: Uncertain significance (2). Last evaluated 2025-11-02.

Conditions:
Inborn genetic diseases. Identifiers: MedGen C0950123, MeSH D030342.
Autosomal recessive limb-girdle muscular dystrophy type 2F (LGMDR6). Also called: Muscular dystrophy limb-girdle with delta-sarcoglyan deficiency; MUSCULAR DYSTROPHY, LIMB-GIRDLE, AUTOSOMAL RECESSIVE 6. Identifiers: Orphanet 219, MedGen C1832525, MONDO:0011028, OMIM 601287. Disease mechanism: Affects gamma-sarcoglycan and also disrupts the integrity of the entire sarcoglycan complex..

Submissions (2):

Ambry Genetics
Classification: Uncertain significance for Inborn genetic diseases. Last evaluated: 2025-11-02. Review status: criteria provided, single submitter. Criteria: Ambry Variant Classification Scheme 2023. Collection method: clinical testing. Allele origin: germline.
Comment: The p.Q95H variant (also known as c.285G>C), located in coding exon 3 of the SGCD gene, results from a G to C substitution at nucleotide position 285. The glutamine at codon 95 is replaced by histidine, an amino acid with highly similar properties. This amino acid position is conserved. In addition, this alteration is predicted to be tolerated by in silico analysis. Based on the available evidence, the clinical significance of this variant remains unclear.

Labcorp Genetics (formerly Invitae), Labcorp
Classification: Uncertain significance for Autosomal recessive limb-girdle muscular dystrophy type 2F. Last evaluated: 2017-12-05. Review status: criteria provided, single submitter. Criteria: Invitae Variant Classification Sherloc (09022015). Collection method: clinical testing. Allele origin: germline.
Comment: In summary, the available evidence is currently insufficient to determine the role of this variant in disease. Therefore, it has been classified as a Variant of Uncertain Significance. Algorithms developed to predict the effect of missense changes on protein structure and function (SIFT, PolyPhen-2, Align-GVGD) all suggest that this variant is likely to be tolerated, but these predictions have not been confirmed by published functional studies and their clinical significance is uncertain. This variant has not been reported in the literature in individuals with SGCD-related disease. This variant is not present in population databases (ExAC no frequency). This sequence change replaces glutamine with histidine at codon 95 of the SGCD protein (p.Gln95His). The glutamine residue is weakly conserved and there is a small physicochemical difference between glutamine and histidine.

NM_000337.6(SGCD):c.285G>C (p.Gln95His)

Gene: SGCD (sarcoglycan delta; plus strand). Cytogenetic location: 5q33.3.
Variant type: single nucleotide variant.
Coding change: c.285G>C on transcript NM_000337.6 (MANE Select); coding-DNA position 285, G replaced by C.
Protein change: p.Gln95His; replaces glutamine 95 with histidine.
Molecular consequence: missense variant.
Genome position (GRCh38, 1-based): chr5:156,508,693, G>C. VCF-style: chr5-156508693-G-C. GRCh37 (hg19) VCF-style: chr5-155935703-G-C.
Other names: c.282G>C, p.Gln94His (NM_001128209.2); c.285G>C, p.Gln95His (NM_172244.3); short protein forms Q95H, Q94H.
Identifiers: ClinVar variation 532690 (VCV000532690.10), dbSNP rs1421460814, ClinGen allele CA362008121.